The following is an entry in ClinVar:

NM_152490.5(B3GALNT2):c.92C>T (p.Ala31Val)

Gene: B3GALNT2 (beta-1,3-N-acetylgalactosaminyltransferase 2; minus strand). Cytogenetic location: 1q42.3.
Variant type: single nucleotide variant.
Coding change: c.92C>T on transcript NM_152490.5 (MANE Select); coding-DNA position 92, C replaced by T.
Protein change: p.Ala31Val; replaces alanine 31 with valine.
Molecular consequence: missense variant.
Genome position (GRCh38, 1-based): chr1:235,504,161, G>A on the plus strand (C>T on the coding strand, the complement: B3GALNT2 is on the minus strand). VCF-style: chr1-235504161-G-A. GRCh37 (hg19) VCF-style: chr1-235667461-G-A.
Other names: c.92C>T, p.Ala31Val (NM_001277155.3); short protein forms A31V.
Identifiers: ClinVar variation 1398747 (VCV001398747.8), dbSNP rs1286920217, ClinGen allele CA344936578.

ClinVar aggregate classification (germline): Uncertain significance (1 of 4 stars; one submission).

Conditions:
Muscular dystrophy-dystroglycanopathy (congenital with brain and eye anomalies), type a, 11 (MDDGA11). Also called: WALKER-WARBURG SYNDROME OR MUSCLE-EYE-BRAIN DISEASE, B3GALNT2-RELATED; Muscular dystrophy-dystroglycanopathy (congenital with brain and eye anomalies, type A, 11; Congenital muscular dystrophy-dystroglycanopathy with brain and eye anomalies, type A11. Identifiers: Orphanet 588, Orphanet 899, MedGen C3554638, MONDO:0014071, OMIM 615181.

Allele frequency attached by ClinVar (database versions not stated): gnomAD 0.00001; gnomAD exomes 0.00001; TOPMed 0.00001.
gnomAD v4.1: 11 of 1,292,074 alleles (0.00085%); highest among the groups gnomAD compares: Non-Finnish European, 0.00088%; no homozygotes.

Submission:

Labcorp Genetics (formerly Invitae), Labcorp
Classification: Uncertain significance for Muscular dystrophy-dystroglycanopathy (congenital with brain and eye anomalies), type a, 11. Last evaluated: 2022-05-12. Review status: criteria provided, single submitter. Criteria: Invitae Variant Classification Sherloc (09022015). Collection method: clinical testing. Allele origin: germline.
Comment: In summary, the available evidence is currently insufficient to determine the role of this variant in disease. Therefore, it has been classified as a Variant of Uncertain Significance. Algorithms developed to predict the effect of missense changes on protein structure and function (SIFT, PolyPhen-2, Align-GVGD) all suggest that this variant is likely to be tolerated. This variant has not been reported in the literature in individuals affected with B3GALNT2-related conditions. This variant is present in population databases (no rsID available, gnomAD 0.007%). This sequence change replaces alanine, which is neutral and non-polar, with valine, which is neutral and non-polar, at codon 31 of the B3GALNT2 protein (p.Ala31Val).